The following is an entry in ClinVar:

ClinVar aggregate classification (germline): Likely benign. Review status: criteria provided, multiple submitters, no conflicts (2 of 4 stars). 4 submissions from 4 submitters: Likely benign (3). 1 of the submissions does not count toward it. Last evaluated 2025-10-06.

Conditions:
Inborn genetic diseases. Identifiers: MedGen C0950123, MeSH D030342.
COL4A2-related disorder. Also called: COL4A2-related disorders; COL4A2-related condition.

Allele frequency attached by ClinVar (database versions not stated): gnomAD exomes 0.00006 and 0.00014; ExAC 0.00018; ESP Exome Variant Server 0.00042; 1000 Genomes Project 0.00060; 1000 Genomes Project 30x 0.00062; gnomAD 0.00062 and 0.00068; TOPMed 0.00071.
gnomAD v4.1: 197 of 1,613,462 alleles (0.012%); highest among the groups gnomAD compares: African/African-American, 0.21%; 1 homozygote.

Submissions (4):

Labcorp Genetics (formerly Invitae), Labcorp
Classification: Likely benign. Last evaluated: 2025-10-06. Review status: criteria provided, single submitter. Criteria: Invitae Variant Classification Sherloc (09022015). Collection method: clinical testing. Allele origin: germline.

Ambry Genetics
Classification: Likely benign for Inborn genetic diseases. Last evaluated: 2025-03-03. Review status: criteria provided, single submitter. Criteria: Ambry Variant Classification Scheme 2023. Collection method: clinical testing. Allele origin: germline.

Blueprint Genetics
Classification: Likely benign. Last evaluated: 2024-06-27. Review status: criteria provided, single submitter. Criteria: ACMG Guidelines, 2015. Collection method: clinical testing. Allele origin: germline.

PreventionGenetics, part of Exact Sciences
Classification: Likely benign for COL4A2-related condition. Last evaluated: 2024-06-21. Review status: no assertion criteria provided. Collection method: clinical testing. Allele origin: germline. Not counted in ClinVar's aggregate classification.
Comment: This variant is classified as likely benign based on ACMG/AMP sequence variant interpretation guidelines (Richards et al. 2015 PMID: 25741868, with internal and published modifications).

NM_001846.4(COL4A2):c.3883C>T (p.Arg1295Trp)

Genes: COL4A2 (collagen type IV alpha 2 chain; plus strand), COL4A2-AS1 (COL4A2 antisense RNA 1; minus strand). Cytogenetic location: 13q34.
Variant type: single nucleotide variant.
Coding change: c.3883C>T on transcript NM_001846.4 (MANE Select); coding-DNA position 3883, C replaced by T.
Protein change: p.Arg1295Trp; replaces arginine 1295 with tryptophan.
Molecular consequence: missense variant.
Genome position (GRCh38, 1-based): chr13:110,503,126, C>T. VCF-style: chr13-110503126-C-T. GRCh37 (hg19) VCF-style: chr13-111155473-C-T.
Other names: c.3883C>T (NM_001846.2); short protein forms R1295W.
Identifiers: ClinVar variation 722398 (VCV000722398.12), dbSNP rs187526694, ClinGen allele CA7050356.